The following is an entry in ClinVar:

ClinVar aggregate classification (germline): Uncertain significance. Review status: criteria provided, multiple submitters, no conflicts (2 of 4 stars). 2 submissions from 2 submitters: Uncertain significance (2). Last evaluated 2024-09-14.

Conditions:
Fanconi anemia complementation group E (FANCE). Also called: FANCE-Related Fanconi Anemia. Identifiers: Orphanet 84, MedGen C3160739, MONDO:0010953, OMIM 600901.

Allele frequency attached by ClinVar (database versions not stated): gnomAD 0.00001; gnomAD exomes 0.00001; ExAC 0.00002; TOPMed 0.00002.
gnomAD v4.1: 14 of 1,609,536 alleles (0.00087%); highest among the groups gnomAD compares: Middle Eastern, 0.016%; no homozygotes.

Submissions (2):

Blueprint Genetics
Classification: Uncertain significance. Last evaluated: 2024-09-14. Review status: criteria provided, single submitter. Criteria: ACMG Guidelines, 2015. Collection method: clinical testing. Allele origin: germline.

Labcorp Genetics (formerly Invitae), Labcorp
Classification: Uncertain significance for Fanconi anemia complementation group E. Last evaluated: 2022-08-19. Review status: criteria provided, single submitter. Criteria: Invitae Variant Classification Sherloc (09022015). Collection method: clinical testing. Allele origin: germline.
Comment: This sequence change replaces glutamic acid, which is acidic and polar, with glycine, which is neutral and non-polar, at codon 506 of the FANCE protein (p.Glu506Gly). This variant is present in population databases (rs766291860, gnomAD 0.002%). This variant has not been reported in the literature in individuals affected with FANCE-related conditions. ClinVar contains an entry for this variant (Variation ID: 1351672). Algorithms developed to predict the effect of missense changes on protein structure and function are either unavailable or do not agree on the potential impact of this missense change (SIFT: "Tolerated"; PolyPhen-2: "Probably Damaging"; Align-GVGD: "Class C0"). In summary, the available evidence is currently insufficient to determine the role of this variant in disease. Therefore, it has been classified as a Variant of Uncertain Significance.

NM_021922.3(FANCE):c.1517A>G (p.Glu506Gly)

Gene: FANCE (FA complementation group E; plus strand). Cytogenetic location: 6p21.31.
Variant type: single nucleotide variant.
Coding change: c.1517A>G on transcript NM_021922.3 (MANE Select); coding-DNA position 1517, A replaced by G.
Protein change: p.Glu506Gly; replaces glutamic acid 506 with glycine.
Molecular consequence: missense variant.
Genome position (GRCh38, 1-based): chr6:35,466,251, A>G. VCF-style: chr6-35466251-A-G. GRCh37 (hg19) VCF-style: chr6-35434028-A-G.
Other names: short protein forms E506G.
Identifiers: ClinVar variation 1351672 (VCV001351672.4), dbSNP rs766291860, ClinGen allele CA3771753.